The following is an entry in ClinVar:

ClinVar aggregate classification (germline): Uncertain significance (1 of 4 stars; one submission).

Conditions:
PYGL-related disorder. Also called: PYGL-related condition.

gnomAD v4.1: 1 of 1,613,910 alleles (0.000062%); highest among the groups gnomAD compares: South Asian, 0.0011%; no homozygotes.

Submission:

PreventionGenetics, part of Exact Sciences
Classification: Uncertain significance for PYGL-related condition. Last evaluated: 2026-03-13. Review status: criteria provided, single submitter. Criteria: ACMG Guidelines, 2015. Collection method: clinical testing. Allele origin: germline.
Comment: The PYGL c.1798G>T variant is predicted to result in the amino acid substitution p.Val600Leu. To our knowledge, this variant has not been reported in the literature. This variant is reported in 0.0033% of alleles in individuals of South Asian descent in gnomAD. At this time, the clinical significance of this variant is uncertain due to the absence of conclusive functional and genetic evidence.

NM_002863.5(PYGL):c.1798G>T (p.Val600Leu)

Gene: PYGL (glycogen phosphorylase L; minus strand). Cytogenetic location: 14q22.1.
Variant type: single nucleotide variant.
Coding change: c.1798G>T on transcript NM_002863.5 (MANE Select); coding-DNA position 1798, G replaced by T.
Protein change: p.Val600Leu; replaces valine 600 with leucine.
Molecular consequence: missense variant.
Genome position (GRCh38, 1-based): chr14:50,912,007, C>A on the plus strand (G>T on the coding strand, the complement: PYGL is on the minus strand). VCF-style: chr14-50912007-C-A. GRCh37 (hg19) VCF-style: chr14-51378725-C-A.
Other names: c.1696G>T, p.Val566Leu (NM_001163940.2); short protein forms V566L, V600L.
Identifiers: ClinVar variation 5001054 (VCV005001054.1).